The following is an entry in ClinVar:

ClinVar aggregate classification (germline): Benign. Review status: criteria provided, multiple submitters, no conflicts (2 of 4 stars). 6 submissions from 6 submitters: Benign (5). 1 of the submissions does not count toward it. Last evaluated 2026-02-03.

Allele frequency attached by ClinVar (database versions not stated): ESP Exome Variant Server 0.00185; gnomAD exomes 0.00804 and 0.03171; gnomAD 0.01246 and 0.01415; TOPMed 0.02119; ExAC 0.02743; 1000 Genomes Project 0.04313; 1000 Genomes Project 30x 0.04388.
gnomAD v4.1: 14,190 of 1,613,700 alleles (0.88%); highest among the groups gnomAD compares: Admixed American, 12%; 933 homozygotes.

Submissions (6):

Labcorp Genetics (formerly Invitae), Labcorp
Classification: Benign. Last evaluated: 2026-02-03. Review status: criteria provided, single submitter. Criteria: Invitae Variant Classification Sherloc (09022015). Collection method: clinical testing. Allele origin: germline.

CeGaT Center for Human Genetics Tuebingen
Classification: Benign. Last evaluated: 2025-09-01. Review status: criteria provided, single submitter. Criteria: CeGaT Center For Human Genetics Tuebingen Variant Classification Criteria Version 2. Collection method: clinical testing. Allele origin: germline. Affected: yes. Observed: 1 variant allele.
Comment: CTNNB1: BP4, BS1, BS2

GeneDx
Classification: Benign. Last evaluated: 2018-07-15. Review status: criteria provided, single submitter. Criteria: GeneDx Variant Classification Process June 2021. Collection method: clinical testing. Allele origin: germline. Affected: yes.

Laboratory for Molecular Medicine, Mass General Brigham Personalized Medicine
Classification: Benign. Last evaluated: 2016-03-28. Review status: criteria provided, single submitter. Criteria: LMM Criteria. Collection method: clinical testing. Allele origin: germline.
Comment: Variant identified in a genome or exome case(s) and assessed due to predicted null impact of the variant or pathogenic assertions in the literature or databases. Disclaimer: This variant has not undergone full assessment. The following are preliminary notes: Frequency

Breakthrough Genomics
Classification: Benign. Review status: criteria provided, single submitter. Criteria: ACMG Guidelines, 2015. Collection method: not provided. Allele origin: germline. Inheritance: Autosomal dominant inheritance. Affected: yes.

Genetic Services Laboratory, University of Chicago
Classification: Likely benign for AllHighlyPenetrant. Review status: no assertion criteria provided. Collection method: clinical testing. Allele origin: germline. Inheritance: Autosomal dominant inheritance. Not counted in ClinVar's aggregate classification.
Comment: Likely benign based on allele frequency in 1000 Genomes Project or ESP global frequency and its presence in a patient with a rare or unrelated disease phenotype. NOT Sanger confirmed.

NM_001904.4(CTNNB1):c.2340C>T (p.Asp780=)

Gene: CTNNB1 (catenin beta 1; plus strand). Cytogenetic location: 3p22.1.
Variant type: single nucleotide variant.
Coding change: c.2340C>T on transcript NM_001904.4 (MANE Select); coding-DNA position 2340, C replaced by T.
Protein change: p.Asp780=; no amino-acid change (aspartic acid 780 retained).
Molecular consequence: synonymous variant.
Genome position (GRCh38, 1-based): chr3:41,239,336, C>T. VCF-style: chr3-41239336-C-T. GRCh37 (hg19) VCF-style: chr3-41280827-C-T.
Other names: c.2340C>T, p.Asp780= (NM_001098209.2, NM_001098210.2); c.2319C>T, p.Asp773= (NM_001330729.2).
Identifiers: ClinVar variation 128869 (VCV000128869.27), dbSNP rs2293303, ClinGen allele CA152531.